The following is an entry in ClinVar:

NM_001384317.1(ZHX3):c.2150T>C (p.Leu717Ser)

Gene: ZHX3 (zinc fingers and homeoboxes 3; minus strand). Cytogenetic location: 20q12.
Variant type: single nucleotide variant.
Coding change: c.2150T>C on transcript NM_001384317.1 (MANE Select); coding-DNA position 2150, T replaced by C.
Protein change: p.Leu717Ser; replaces leucine 717 with serine.
Molecular consequence: missense variant.
Genome position (GRCh38, 1-based): chr20:41,202,767, A>G on the plus strand (T>C on the coding strand, the complement: ZHX3 is on the minus strand). VCF-style: chr20-41202767-A-G. GRCh37 (hg19) VCF-style: chr20-39831407-A-G.
Other names: c.2150T>C, p.Leu717Ser (NM_001384315.1, NM_001384316.1, NM_001384318.1 and 8 more transcripts); short protein forms L717S.
Identifiers: ClinVar variation 2075988 (VCV002075988.4), dbSNP rs149945568, ClinGen allele CA9859831.

ClinVar aggregate classification (germline): Uncertain significance (1 of 4 stars; one submission).

Allele frequency attached by ClinVar (database versions not stated): ExAC 0.00022; gnomAD 0.00030; TOPMed 0.00030; ESP Exome Variant Server 0.00046; gnomAD exomes 0.00064.
gnomAD v4.1: 968 of 1,614,002 alleles (0.06%); highest among the groups gnomAD compares: Non-Finnish European, 0.077%; no homozygotes.

Submission:

Labcorp Genetics (formerly Invitae), Labcorp
Classification: Uncertain significance. Last evaluated: 2026-01-28. Review status: criteria provided, single submitter. Criteria: Invitae Variant Classification Sherloc (09022015). Collection method: clinical testing. Allele origin: germline.
Comment: This sequence change replaces leucine, which is neutral and non-polar, with serine, which is neutral and polar, at codon 717 of the ZHX3 protein (p.Leu717Ser). This variant is present in population databases (rs149945568, gnomAD 0.05%). This missense change has been observed in individual(s) with hypertriglyceridemia (PMID: 22135386). ClinVar contains an entry for this variant (Variation ID: 2075988). An algorithm developed to predict the effect of missense changes on protein structure and function outputs the following: PolyPhen-2: "Benign". The serine amino acid residue is found in multiple mammalian species, which suggests that this missense change does not adversely affect protein function. In summary, the available evidence is currently insufficient to determine the role of this variant in disease. Therefore, it has been classified as a Variant of Uncertain Significance.

Literature cited by the submitters: PubMed 22135386.